The following is an entry in ClinVar:

ClinVar aggregate classification (germline): Uncertain significance. Review status: criteria provided, multiple submitters, no conflicts (2 of 4 stars). 3 submissions from 3 submitters: Uncertain significance (3). Last evaluated 2024-06-26.

Conditions:
Primary ciliary dyskinesia 33. Also called: CILIARY DYSKINESIA, PRIMARY, 33, WITHOUT SITUS INVERSUS. Identifiers: Orphanet 244, MedGen C4225230, MONDO:0014750, OMIM 616726.

Allele frequency attached by ClinVar (database versions not stated): gnomAD exomes 0.00010; ExAC 0.00012; 1000 Genomes Project 30x 0.00047; gnomAD 0.00050 and 0.00055; TOPMed 0.00052; 1000 Genomes Project 0.00060; ESP Exome Variant Server 0.00062.
gnomAD v4.1: 150 of 1,613,102 alleles (0.0093%); highest among the groups gnomAD compares: African/African-American, 0.16%; no homozygotes.

Submissions (3):

Blueprint Genetics
Classification: Uncertain significance. Last evaluated: 2024-06-26. Review status: criteria provided, single submitter. Criteria: ACMG Guidelines, 2015. Collection method: clinical testing. Allele origin: germline.

GeneDx
Classification: Uncertain significance. Last evaluated: 2024-06-04. Review status: criteria provided, single submitter. Criteria: GeneDx Variant Classification Process June 2021. Collection method: clinical testing. Allele origin: germline. Affected: yes.
Comment: In silico analysis indicates that this missense variant does not alter protein structure/function; Has not been previously published as pathogenic or benign to our knowledge

Labcorp Genetics (formerly Invitae), Labcorp
Classification: Uncertain significance for Primary ciliary dyskinesia 33. Last evaluated: 2022-09-06. Review status: criteria provided, single submitter. Criteria: Invitae Variant Classification Sherloc (09022015). Collection method: clinical testing. Allele origin: germline.
Comment: This sequence change replaces aspartic acid, which is acidic and polar, with glutamic acid, which is acidic and polar, at codon 263 of the GAS8 protein (p.Asp263Glu). This variant is present in population databases (rs138733039, gnomAD 0.1%). This missense change has been observed in individual(s) with clinical features of primary ciliary dyskinesia (Invitae). ClinVar contains an entry for this variant (Variation ID: 854036). Algorithms developed to predict the effect of missense changes on protein structure and function output the following: SIFT: "Tolerated"; PolyPhen-2: "Benign"; Align-GVGD: "Class C0". The glutamic acid amino acid residue is found in multiple mammalian species, which suggests that this missense change does not adversely affect protein function. In summary, the available evidence is currently insufficient to determine the role of this variant in disease. Therefore, it has been classified as a Variant of Uncertain Significance.

NM_001481.3(DRC4):c.789C>A (p.Asp263Glu)

Gene: DRC4 (dynein regulatory complex subunit 4; plus strand). Cytogenetic location: 16q24.3.
Variant type: single nucleotide variant.
Coding change: c.789C>A on transcript NM_001481.3 (MANE Select); coding-DNA position 789, C replaced by A.
Protein change: p.Asp263Glu; replaces aspartic acid 263 with glutamic acid.
Molecular consequence: missense variant.
Genome position (GRCh38, 1-based): chr16:90,037,264, C>A. VCF-style: chr16-90037264-C-A. GRCh37 (hg19) VCF-style: chr16-90103672-C-A.
Other names: c.540C>A, p.Asp180Glu (NM_001286205.2); c.213C>A, p.Asp71Glu (NM_001286208.2); c.714C>A, p.Asp238Glu (NM_001286209.2); short protein forms D71E, D263E, D180E, D238E.
Identifiers: ClinVar variation 854036 (VCV000854036.7), dbSNP rs138733039, ClinGen allele CA8257982.